The following is an entry in ClinVar:

ClinVar aggregate classification (germline): Pathogenic. Review status: criteria provided, multiple submitters, no conflicts (2 of 4 stars). 6 submissions from 6 submitters: Pathogenic (5). 1 of the submissions does not count toward it. Last evaluated 2025-11-01.

Conditions:
SRD5A3-related disorder. Also called: SRD5A3-Related Disorders; SRD5A3-related condition.
SRD5A3-congenital disorder of glycosylation. Also called: Congenital disorder of glycosylation type 1Q; SRD5A3-CDG; CDG Iq; Ocular colobomas, ichthyosis, brain malformations and endocrine abnormalities; COLOBOMA, OCULAR, WITH ICHTHYOSIS, BRAIN MALFORMATIONS, AND ENDOCRINE ABNORMALITIES. Identifiers: Orphanet 324737, MedGen C4317224, MONDO:0012885, OMIM 612379.

Submissions (6):

Medical Molecular Genetics, National Research Centre
Classification: Pathogenic for SRD5A3-congenital disorder of glycosylation. Last evaluated: 2025-11-01. Review status: criteria provided, single submitter. Criteria: ACMG Guidelines, 2015. Collection method: research. Allele origin: inherited. Affected: yes.

Blueprint Genetics
Classification: Pathogenic for SRD5A3-related disorders. Last evaluated: 2021-08-16. Review status: criteria provided, single submitter. Criteria: ACMG Guidelines, 2015. Collection method: clinical testing. Allele origin: germline. Affected: yes. Observed: 1 variant allele.

Revvity Omics, Revvity
Classification: Pathogenic. Last evaluated: 2021-05-12. Review status: criteria provided, single submitter. Criteria: ACMG Guidelines, 2015. Collection method: clinical testing. Allele origin: germline.

DNA Laboratuvarlari GHTM
Classification: Pathogenic for SRD5A3-congenital disorder of glycosylation. Last evaluated: 2017-08-29. Review status: criteria provided, single submitter. Criteria: ACMG Guidelines, 2015. Collection method: clinical testing. Allele origin: inherited. Inheritance: Autosomal recessive inheritance. Affected: yes. Observed: 2 variant alleles, 2 homozygotes.
Comment: Variant was found in 2 siblings. Both have same variant.

Lupski Lab, Baylor-Hopkins CMG, Baylor College of Medicine
Classification: Pathogenic for SRD5A3-congenital disorder of glycosylation. Last evaluated: 2016-04-11. Review status: criteria provided, single submitter. Criteria: Submitter's publication. Collection method: research. Allele origin: inherited. Inheritance: Autosomal recessive inheritance. Affected: yes. Observed: 1 variant allele, 1 homozygote.

OMIM
Classification: Pathogenic for CONGENITAL DISORDER OF GLYCOSYLATION, TYPE Iq. Last evaluated: 2010-07-23. Review status: no assertion criteria provided. Collection method: literature only. Allele origin: germline. Not counted in ClinVar's aggregate classification.

Literature cited by the submitters: PubMed 20637498 (cited by OMIM).

NM_024592.5(SRD5A3):c.320G>A (p.Trp107Ter)

Gene: SRD5A3 (steroid 5 alpha-reductase 3; plus strand). Cytogenetic location: 4q12.
Variant type: single nucleotide variant.
Coding change: c.320G>A on transcript NM_024592.5 (MANE Select); coding-DNA position 320, G replaced by A.
Protein change: p.Trp107Ter; replaces tryptophan 107 with a stop codon.
Molecular consequence: nonsense.
Genome position (GRCh38, 1-based): chr4:55,359,444, G>A. VCF-style: chr4-55359444-G-A. GRCh37 (hg19) VCF-style: chr4-56225611-G-A.
Other names: short protein forms W107*.
Identifiers: ClinVar variation 18405 (VCV000018405.10), dbSNP rs267607093, ClinGen allele CA251622.